The following is an entry in ClinVar:

ClinVar aggregate classification (germline): Uncertain significance (1 of 4 stars; one submission).

gnomAD v4.1: 1 of 1,614,068 alleles (0.000062%); no homozygotes.

Submission:

GeneDx
Classification: Uncertain significance. Last evaluated: 2024-03-28. Review status: criteria provided, single submitter. Criteria: GeneDx Variant Classification Process June 2021. Collection method: clinical testing. Allele origin: germline. Affected: yes.
Comment: Not observed at significant frequency in large population cohorts (gnomAD); In silico analysis supports that this missense variant has a deleterious effect on protein structure/function; Has not been previously published as pathogenic or benign to our knowledge

NM_004304.5(ALK):c.3575G>T (p.Arg1192Leu)

Gene: ALK (ALK receptor tyrosine kinase; minus strand). Cytogenetic location: 2p23.2.
Variant type: single nucleotide variant.
Coding change: c.3575G>T on transcript NM_004304.5 (MANE Select); coding-DNA position 3575, G replaced by T.
Protein change: p.Arg1192Leu; replaces arginine 1192 with leucine.
Molecular consequence: missense variant.
Genome position (GRCh38, 1-based): chr2:29,220,776, C>A on the plus strand (G>T on the coding strand, the complement: ALK is on the minus strand). VCF-style: chr2-29220776-C-A. GRCh37 (hg19) VCF-style: chr2-29443642-C-A.
Other names: c.371G>T, p.Arg124Leu (NM_001353765.2); short protein forms R1192L, R124L.
Identifiers: ClinVar variation 3371603 (VCV003371603.1).